The following is an entry in ClinVar:

NM_000038.6(APC):c.5776A>C (p.Ile1926Leu)

Gene: APC (APC regulator of Wnt signaling pathway; plus strand). Cytogenetic location: 5q22.2.
Variant type: single nucleotide variant.
Coding change: c.5776A>C on transcript NM_000038.6 (MANE Select); coding-DNA position 5776, A replaced by C.
Protein change: p.Ile1926Leu; replaces isoleucine 1926 with leucine.
Molecular consequence: missense variant. On other transcripts: non-coding transcript variant (2).
Genome position (GRCh38, 1-based): chr5:112,841,370, A>C. VCF-style: chr5-112841370-A-C. GRCh37 (hg19) VCF-style: chr5-112177067-A-C.
Other names: c.5776A>C, p.Ile1926Leu (NM_001127510.3, NM_001354895.2, NM_001407450.1); c.5722A>C, p.Ile1908Leu (NM_001127511.3); c.5830A>C, p.Ile1944Leu (NM_001354896.2, NM_001407447.1, NM_001407448.1 and 1 more transcripts); c.5806A>C, p.Ile1936Leu (NM_001354897.2); c.5701A>C, p.Ile1901Leu (NM_001354898.2); c.5692A>C, p.Ile1898Leu (NM_001354899.2); c.5653A>C, p.Ile1885Leu (NM_001354900.2); c.5599A>C, p.Ile1867Leu (NM_001354901.2, NM_001407453.1); and 11 more; short protein forms I1542L, I1835L, I1867L, I1800L, I1825L, I1885L, I1901L, I1919L.
Identifiers: ClinVar variation 3929322 (VCV003929322.1).

ClinVar aggregate classification (germline): Uncertain significance (1 of 4 stars; one submission).

Conditions:
Hereditary cancer-predisposing syndrome. Also called: Hereditary Cancer Syndrome; Hereditary neoplastic syndrome; Neoplastic Syndromes, Hereditary; Tumor predisposition. Identifiers: Orphanet 140162, MedGen C0027672, MeSH D009386, MONDO:0015356.

Submission:

Ambry Genetics
Classification: Uncertain significance for Hereditary cancer-predisposing syndrome. Last evaluated: 2025-05-10. Review status: criteria provided, single submitter. Criteria: Ambry Variant Classification Scheme 2023. Collection method: clinical testing. Allele origin: germline.
Comment: The p.I1926L variant (also known as c.5776A>C), located in coding exon 15 of the APC gene, results from an A to C substitution at nucleotide position 5776. The isoleucine at codon 1926 is replaced by leucine, an amino acid with highly similar properties. This amino acid position is conserved. In addition, in silico predictors for this gene do not accurately predict pathogenicity. Based on the available evidence, the clinical significance of this variant remains unclear.